The following is an entry in ClinVar:

NM_001375524.1(TRRAP):c.6812A>G (p.Asn2271Ser)

Gene: TRRAP (transformation/transcription domain associated protein; plus strand). Cytogenetic location: 7q22.1.
Variant type: single nucleotide variant.
Coding change: c.6812A>G on transcript NM_001375524.1 (MANE Select); coding-DNA position 6812, A replaced by G.
Protein change: p.Asn2271Ser; replaces asparagine 2271 with serine.
Molecular consequence: missense variant.
Genome position (GRCh38, 1-based): chr7:98,962,410, A>G. VCF-style: chr7-98962410-A-G. GRCh37 (hg19) VCF-style: chr7-98560033-A-G.
Other names: c.6791A>G, p.Asn2264Ser (NM_001244580.2); c.6737A>G, p.Asn2246Ser (NM_003496.4); c.6737A>G (NM_003496.3); short protein forms N2246S, N2264S, N2271S.
Identifiers: ClinVar variation 3183530 (VCV003183530.4), dbSNP rs149193660, ClinGen allele CA4360966.

ClinVar aggregate classification (germline): Conflicting classifications of pathogenicity. Review status: criteria provided, conflicting classifications (1 of 4 stars). 3 submissions from 3 submitters: Uncertain significance (2); Likely benign (1). Last evaluated 2026-02-03.

Conditions:
Inborn genetic diseases. Identifiers: MedGen C0950123, MeSH D030342.
TRRAP-related disorder. Also called: TRRAP-related condition.

Allele frequency attached by ClinVar (database versions not stated): gnomAD exomes 0.00001; ExAC 0.00002; gnomAD 0.00003; TOPMed 0.00005; ESP Exome Variant Server 0.00015.
gnomAD v4.1: 25 of 1,614,114 alleles (0.0015%); highest among the groups gnomAD compares: African/African-American, 0.011%; no homozygotes.

Submissions (3):

PreventionGenetics, part of Exact Sciences
Classification: Uncertain significance for TRRAP-related condition. Last evaluated: 2026-02-03. Review status: criteria provided, single submitter. Criteria: ACMG Guidelines, 2015. Collection method: clinical testing. Allele origin: germline.
Comment: The TRRAP c.6737A>G variant is predicted to result in the amino acid substitution p.Asn2246Ser. To our knowledge, this variant has not been reported in the literature. This variant is reported in 0.018% of alleles in individuals of African descent in gnomAD. Although we suspect that this variant may be benign, at this time, the clinical significance of this variant is uncertain due to the absence of conclusive functional and genetic evidence.

Labcorp Genetics (formerly Invitae), Labcorp
Classification: Uncertain significance. Last evaluated: 2025-04-22. Review status: criteria provided, single submitter. Criteria: Invitae Variant Classification Sherloc (09022015). Collection method: clinical testing. Allele origin: germline.
Comment: This sequence change replaces asparagine, which is neutral and polar, with serine, which is neutral and polar, at codon 2246 of the TRRAP protein (p.Asn2246Ser). This variant is present in population databases (rs149193660, gnomAD 0.02%). This variant has not been reported in the literature in individuals affected with TRRAP-related conditions. ClinVar contains an entry for this variant (Variation ID: 3183530). Invitae Evidence Modeling of protein sequence and biophysical properties (such as structural, functional, and spatial information, amino acid conservation, physicochemical variation, residue mobility, and thermodynamic stability) indicates that this missense variant is not expected to disrupt TRRAP protein function with a negative predictive value of 80%. In summary, the available evidence is currently insufficient to determine the role of this variant in disease. Therefore, it has been classified as a Variant of Uncertain Significance.

Ambry Genetics
Classification: Likely benign for Inborn genetic diseases. Last evaluated: 2024-01-16. Review status: criteria provided, single submitter. Criteria: Ambry Variant Classification Scheme 2023. Collection method: clinical testing. Allele origin: germline.